The following is an entry in ClinVar:

ClinVar aggregate classification (germline): Conflicting classifications of pathogenicity. Review status: criteria provided, conflicting classifications (1 of 4 stars). 3 submissions from 3 submitters: Uncertain significance (2); Likely benign (1). Last evaluated 2023-05-27.

Conditions:
Hereditary breast ovarian cancer syndrome. Also called: Hereditary breast and ovarian cancer syndrome; Hereditary breast and/or ovarian cancer syndrome; Hereditary breast and ovarian cancer syndrome (HBOC); Breast and ovarian cancer; BRCA1- and BRCA2-Associated Hereditary Breast and Ovarian Cancer; Hereditary breast and ovarian cancer. Identifiers: Orphanet 145, MedGen C0677776, MeSH D061325, MONDO:0003582. Disease mechanism: loss of function.
Hereditary cancer-predisposing syndrome. Also called: Neoplastic Syndromes, Hereditary; Hereditary Cancer Syndrome; Tumor predisposition; Hereditary neoplastic syndrome. Identifiers: Orphanet 140162, MedGen C0027672, MeSH D009386, MONDO:0015356.

Allele frequency attached by ClinVar (database versions not stated): gnomAD exomes below 0.00001.
gnomAD v4.1: 1 of 1,613,670 alleles (0.000062%); highest among the groups gnomAD compares: Non-Finnish European, 0.000085%; no homozygotes.

Submissions (3):

Ambry Genetics
Classification: Uncertain significance for Hereditary cancer-predisposing syndrome. Last evaluated: 2023-05-27. Review status: criteria provided, single submitter. Criteria: Ambry Variant Classification Scheme 2023. Collection method: clinical testing. Allele origin: germline.
Comment: The p.I518T variant (also known as c.1553T>C), located in coding exon 9 of the BRCA1 gene, results from a T to C substitution at nucleotide position 1553. The isoleucine at codon 518 is replaced by threonine, an amino acid with similar properties. This amino acid position is conserved. In addition, this alteration is predicted to be deleterious by in silico analysis. Since supporting evidence is limited at this time, the clinical significance of this alteration remains unclear.

University of Washington Department of Laboratory Medicine, University of Washington
Classification: Likely benign for Hereditary cancer-predisposing syndrome. Last evaluated: 2023-03-23. Review status: criteria provided, single submitter. Criteria: Dines et al. (Genet Med. 2020). Collection method: curation. Allele origin: germline.
Comment: Missense variant in a coldspot region where missense variants are very unlikely to be pathogenic (PMID:31911673).

BRCA1 coldspot (exon 11 using historical exon numbering). Reclassification based on statistical prior probability

Labcorp Genetics (formerly Invitae), Labcorp
Classification: Uncertain significance for Hereditary breast ovarian cancer syndrome. Last evaluated: 2018-02-20. Review status: criteria provided, single submitter. Criteria: Invitae Variant Classification Sherloc (09022015). Collection method: clinical testing. Allele origin: germline.
Comment: In summary, the available evidence is currently insufficient to determine the role of this variant in disease. Therefore, it has been classified as a Variant of Uncertain Significance. Algorithms developed to predict the effect of missense changes on protein structure and function do not agree on the potential impact of this missense change (SIFT: "Tolerated"; PolyPhen-2: "Possibly Damaging"; Align-GVGD: "Class C0"). This variant has not been reported in the literature in individuals with BRCA1-related disease. This variant is not present in population databases (ExAC no frequency). This sequence change replaces isoleucine with threonine at codon 518 of the BRCA1 protein (p.Ile518Thr). The isoleucine residue is highly conserved and there is a moderate physicochemical difference between isoleucine and threonine.

NM_007294.4(BRCA1):c.1553T>C (p.Ile518Thr)

Gene: BRCA1 (BRCA1 DNA repair associated; minus strand). Cytogenetic location: 17q21.31.
Variant type: single nucleotide variant.
Coding change: c.1553T>C on transcript NM_007294.4 (MANE Select); coding-DNA position 1553, T replaced by C.
Protein change: p.Ile518Thr; replaces isoleucine 518 with threonine.
Molecular consequence: missense variant. On other transcripts: intron variant (137).
Genome position (GRCh38, 1-based): chr17:43,093,978, A>G on the plus strand (T>C on the coding strand, the complement: BRCA1 is on the minus strand). VCF-style: chr17-43093978-A-G. GRCh37 (hg19) VCF-style: chr17-41245995-A-G.
Other names: c.1220T>C, p.Ile407Thr (NM_001407947.1, NM_001407948.1, NM_001407949.1 and 6 more transcripts); c.1412T>C, p.Ile471Thr (NM_007297.4, NM_001407692.1, NM_001407694.1 and 29 more transcripts); c.1217T>C, p.Ile406Thr (NM_001407954.1, NM_001407955.1, NM_001407958.1 and 1 more transcripts); c.1409T>C, p.Ile470Thr (NM_001407964.1, NM_001407740.1, NM_001407741.1 and 20 more transcripts); c.1049T>C, p.Ile350Thr (NM_001407965.1); c.665T>C, p.Ile222Thr (NM_001407966.1, NM_001407967.1); c.1172T>C, p.Ile391Thr (NM_001407959.1, NM_001407960.1, NM_001407963.1); c.1169T>C, p.Ile390Thr (NM_001407962.1); and 40 more; short protein forms I518T, I471T, I350T, I390T, I391T, I447T, I450T, I515T.
Identifiers: ClinVar variation 582489 (VCV000582489.14), dbSNP rs1567799193, ClinGen allele CA10598940.
Genomic context (GRCh38, chr17:43,093,978, plus strand): 5'-TGGTTAGTTCCCTGATTTATCATTTCAGGAGTCTTTTGAACTGCCAAATCTGCTTTCTTG[A>G]TAAAATCCTCAGGATGAAGGCCTGATGTAGGTCTCCTTTTACGCTTTAATTTATTTGTGA-3'
Protein context (NP_009225.1, residues 508-528): PTSGLHPEDF[Ile518Thr]KKADLAVQKT